The following is an entry in ClinVar:

NC_000016.9:g.(?_49525186)_(51631253_?)dup

Genes: ADCY7 (adenylate cyclase 7; plus strand), BRD7 (bromodomain containing 7; minus strand), CNEP1R1 (CTD nuclear envelope phosphatase 1 regulatory subunit 1; plus strand), CYLD (CYLD lysine 63 deubiquitinase; plus strand), HEATR3 (HEAT repeat containing 3; plus strand) and 6 more. Cytogenetic location: 16q12.1.
Variant type: Duplication.
Identifiers: ClinVar variation 2426049 (VCV002426049.4).

ClinVar aggregate classification (germline): Uncertain significance (1 of 4 stars; one submission).

Conditions:
Nephronophthisis 14 (NPHP14). Identifiers: Orphanet 2318, MedGen C3539071, MONDO:0013916, OMIM 614844.

Submission:

Labcorp Genetics (formerly Invitae), Labcorp
Classification: Uncertain significance for Nephronophthisis 14. Last evaluated: 2022-03-11. Review status: criteria provided, single submitter. Criteria: Invitae Variant Classification Sherloc (09022015). Collection method: clinical testing. Allele origin: germline.
Comment: This variant has not been reported in the literature in individuals affected with ZNF423-related conditions. A copy number gain of the genomic region encompassing the full coding sequence of the ZNF423 gene has been identified. The boundaries of this event are unknown as they extend beyond the assayed region for this gene and therefore may encompass additional genes. As the precise location of this event is unknown, it may be in tandem or it may be located elsewhere in the genome. In summary, the available evidence is currently insufficient to determine the role of this variant in disease. Therefore, it has been classified as a Variant of Uncertain Significance.